The following is an entry in ClinVar:

ClinVar aggregate classification (germline): Conflicting classifications of pathogenicity. Review status: criteria provided, conflicting classifications (1 of 4 stars). 3 submissions from 3 submitters: Uncertain significance (2); Likely benign (1). Last evaluated 2024-09-18.

Allele frequency attached by ClinVar (database versions not stated): gnomAD exomes 0.00002 and 0.00004; ExAC 0.00004; gnomAD 0.00004; TOPMed 0.00004.
gnomAD v4.1: 30 of 1,612,096 alleles (0.0019%); highest among the groups gnomAD compares: African/African-American, 0.008%; no homozygotes.

Submissions (3):

Blueprint Genetics
Classification: Uncertain significance. Last evaluated: 2024-09-18. Review status: criteria provided, single submitter. Criteria: ACMG Guidelines, 2015. Collection method: clinical testing. Allele origin: germline.

Labcorp Genetics (formerly Invitae), Labcorp
Classification: Likely benign. Last evaluated: 2023-10-03. Review status: criteria provided, single submitter. Criteria: Invitae Variant Classification Sherloc (09022015). Collection method: clinical testing. Allele origin: germline.

Laboratory for Molecular Medicine, Mass General Brigham Personalized Medicine
Classification: Uncertain significance. Last evaluated: 2010-10-04. Review status: criteria provided, single submitter. Criteria: LMM Criteria. Collection method: clinical testing. Allele origin: germline. Observed: 1 variant allele.
Comment: Variant classified as Uncertain Significance - Favor Benign. The Thr2864Met vari ant in GPR98 has not been reported in the literature nor previously identified b y our laboratory. Computational analyses (biochemical amino acid properties, hom ology, PolyPhen, SIFT, AlignGVGD) do not provide strong support for or against p athogenicity. In summary, the clinical significance of this variant cannot be de termined at this time.

NM_032119.4(ADGRV1):c.8591C>T (p.Thr2864Met)

Gene: ADGRV1 (adhesion G protein-coupled receptor V1; plus strand). Cytogenetic location: 5q14.3.
Variant type: single nucleotide variant.
Coding change: c.8591C>T on transcript NM_032119.4 (MANE Select); coding-DNA position 8591, C replaced by T.
Protein change: p.Thr2864Met; replaces threonine 2864 with methionine.
Molecular consequence: missense variant. On other transcripts: non-coding transcript variant (1).
Genome position (GRCh38, 1-based): chr5:90,706,255, C>T. VCF-style: chr5-90706255-C-T. GRCh37 (hg19) VCF-style: chr5-90002072-C-T.
Other names: short protein forms T2864M.
Identifiers: ClinVar variation 46394 (VCV000046394.13), dbSNP rs397517440, ClinGen allele CA138251.